The following is an entry in ClinVar:

NM_004733.4(SLC33A1):c.968G>C (p.Gly323Ala)

Gene: SLC33A1 (solute carrier family 33 member 1; minus strand). Cytogenetic location: 3q25.31.
Variant type: single nucleotide variant.
Coding change: c.968G>C on transcript NM_004733.4 (MANE Select); coding-DNA position 968, G replaced by C.
Protein change: p.Gly323Ala; replaces glycine 323 with alanine.
Molecular consequence: missense variant.
Genome position (GRCh38, 1-based): chr3:155,834,037, C>G on the plus strand (G>C on the coding strand, the complement: SLC33A1 is on the minus strand). VCF-style: chr3-155834037-C-G. GRCh37 (hg19) VCF-style: chr3-155551826-C-G.
Other names: c.968G>C, p.Gly323Ala (NM_001190992.2); c.780G>C, p.Trp260Cys (NM_001363883.1); c.968G>C (NM_004733.3); short protein forms G323A, W260C.
Identifiers: ClinVar variation 1407652 (VCV001407652.9), dbSNP rs765678618, ClinGen allele CA2677338.

ClinVar aggregate classification (germline): Uncertain significance. Review status: criteria provided, multiple submitters, no conflicts (2 of 4 stars). 2 submissions from 2 submitters: Uncertain significance (2). Last evaluated 2025-07-28.

Conditions:
Inborn genetic diseases. Identifiers: MedGen C0950123, MeSH D030342.
Spastic paraplegia. Identifiers: MedGen C0037772, HP:0001258.

Allele frequency attached by ClinVar (database versions not stated): TOPMed below 0.00001; ExAC 0.00001; gnomAD exomes 0.00001; gnomAD 0.00003.
gnomAD v4.1: 16 of 1,613,002 alleles (0.00099%); highest among the groups gnomAD compares: Non-Finnish European, 0.0014%; no homozygotes.

Submissions (2):

Labcorp Genetics (formerly Invitae), Labcorp
Classification: Uncertain significance for Spastic paraplegia. Last evaluated: 2025-07-28. Review status: criteria provided, single submitter. Criteria: Invitae Variant Classification Sherloc (09022015). Collection method: clinical testing. Allele origin: germline.
Comment: This sequence change replaces glycine, which is neutral and non-polar, with alanine, which is neutral and non-polar, at codon 323 of the SLC33A1 protein (p.Gly323Ala). This variant is present in population databases (rs765678618, gnomAD 0.003%). This variant has not been reported in the literature in individuals affected with SLC33A1-related conditions. ClinVar contains an entry for this variant (Variation ID: 1407652). Invitae Evidence Modeling of protein sequence and biophysical properties (such as structural, functional, and spatial information, amino acid conservation, physicochemical variation, residue mobility, and thermodynamic stability) indicates that this missense variant is not expected to disrupt SLC33A1 protein function with a negative predictive value of 80%. In summary, the available evidence is currently insufficient to determine the role of this variant in disease. Therefore, it has been classified as a Variant of Uncertain Significance.

Ambry Genetics
Classification: Uncertain significance for Inborn genetic diseases. Last evaluated: 2024-12-23. Review status: criteria provided, single submitter. Criteria: Ambry Variant Classification Scheme 2023. Collection method: clinical testing. Allele origin: germline.